The following is an entry in ClinVar:

ClinVar aggregate classification (germline): Conflicting classifications of pathogenicity. Review status: criteria provided, conflicting classifications (1 of 4 stars). 9 submissions from 9 submitters: Uncertain significance (6); Benign (1); Likely benign (2). Last evaluated 2026-02-03.

Conditions:
TMEM127-related disorder. Also called: TMEM127-related condition.
Hereditary cancer-predisposing syndrome. Also called: Neoplastic Syndromes, Hereditary; Hereditary neoplastic syndrome; Hereditary Cancer Syndrome; Tumor predisposition. Identifiers: Orphanet 140162, MedGen C0027672, MeSH D009386, MONDO:0015356.
Acute myeloid leukemia (AML). Also called: Leukemia, acute myeloid, somatic; Leukemia, acute myelogenous, somatic; Acute myeloid leukemia, adult; AML adult; Acute non-lymphocytic leukemia; Acute granulocytic leukemia. Identifiers: Orphanet 519, MedGen C0023467, MeSH D015470, MONDO:0018874, OMIM 601626, HP:0004808. Disease mechanism: Constitutively activated FLT3.
Hereditary pheochromocytoma and paraganglioma. Also called: Hereditary Paraganglioma-Pheochromocytoma Syndromes; Hereditary pheochromocytoma-paraganglioma; Hereditary paragangliomas and pheochromocytomas. Identifiers: Orphanet 29072, MedGen C4274332, MONDO:0017366.
Pheochromocytoma. Also called: MAX-Related Hereditary Paraganglioma-Pheochromocytoma Syndrome. Identifiers: Orphanet 29072, MedGen C0031511, MONDO:0008233, OMIM 171300, HP:0002666.

Allele frequency attached by ClinVar (database versions not stated): TOPMed 0.00003; gnomAD 0.00006; gnomAD exomes 0.00006; ExAC 0.00011.
gnomAD v4.1: 124 of 1,587,388 alleles (0.0078%); highest among the groups gnomAD compares: Non-Finnish European, 0.0092%; 1 homozygote.

Submissions (9):

Labcorp Genetics (formerly Invitae), Labcorp
Classification: Uncertain significance for Hereditary pheochromocytoma and paraganglioma. Last evaluated: 2026-02-03. Review status: criteria provided, single submitter. Criteria: Invitae Variant Classification Sherloc (09022015). Collection method: clinical testing. Allele origin: germline.
Comment: This sequence change replaces isoleucine, which is neutral and non-polar, with valine, which is neutral and non-polar, at codon 41 of the TMEM127 protein (p.Ile41Val). This variant is present in population databases (rs760633411, gnomAD 0.02%). This variant has not been reported in the literature in individuals affected with TMEM127-related conditions. ClinVar contains an entry for this variant (Variation ID: 480774). An algorithm developed to predict the effect of missense changes on protein structure and function (PolyPhen-2) suggests that this variant is likely to be disruptive. In summary, the available evidence is currently insufficient to determine the role of this variant in disease. Therefore, it has been classified as a Variant of Uncertain Significance.

GeneDx
Classification: Uncertain significance. Last evaluated: 2025-12-13. Review status: criteria provided, single submitter. Criteria: GeneDx Variant Classification Process June 2021. Collection method: clinical testing. Allele origin: germline.
Comment: In silico analysis suggests that this missense variant does not alter protein structure/function; Has not been previously published as pathogenic or benign to our knowledge; This variant is associated with the following publications: (PMID: 20923864)

Quest Diagnostics Nichols Institute San Juan Capistrano
Classification: Likely benign. Last evaluated: 2025-10-22. Review status: criteria provided, single submitter. Criteria: Quest Diagnostics criteria. Collection method: clinical testing. Allele origin: unknown.

PreventionGenetics, part of Exact Sciences
Classification: Uncertain significance for TMEM127-related condition. Last evaluated: 2025-09-02. Review status: criteria provided, single submitter. Criteria: ACMG Guidelines, 2015. Collection method: clinical testing. Allele origin: germline.
Comment: The TMEM127 c.121A>G variant is predicted to result in the amino acid substitution p.Ile41Val. This variant has been reported in an healthy control from a cancer study (Burnichon et al. 2011. PubMed ID: 20923864). This variant is reported in 0.018% of alleles in individuals of South Asian descent in gnomAD and has conflicting interpretations in ClinVar ranging from uncertain to likely benign (Variation ID: 480774). Although we suspect that this variant may be benign, at this time, the clinical significance of this variant is uncertain due to the absence of conclusive functional and genetic evidence.

Laboratorio de I+D, Fundación Centro Médico de Asturias
Classification: Benign for Hereditary cancer-predisposing syndrome. Last evaluated: 2025-07-22. Review status: criteria provided, single submitter. Criteria: ACMG Guidelines, 2015. Collection method: clinical testing. Allele origin: germline.
Comment: BS1+BP4_Strong+BP1

Baylor Genetics
Classification: Uncertain significance for Pheochromocytoma. Last evaluated: 2024-03-20. Review status: criteria provided, single submitter. Criteria: ACMG Guidelines, 2015. Collection method: clinical testing. Allele origin: unknown.

MGZ Medical Genetics Center
Classification: Uncertain significance for Pheochromocytoma. Last evaluated: 2021-09-06. Review status: criteria provided, single submitter. Criteria: ACMG Guidelines, 2015. Collection method: clinical testing. Allele origin: germline. Affected: yes. Observed: 1 variant allele.
Comment: ACMG criteria applied: PM2_SUP, PP3

Ambry Genetics
Classification: Likely benign for Hereditary cancer-predisposing syndrome. Last evaluated: 2021-02-19. Review status: criteria provided, single submitter. Criteria: Ambry Variant Classification Scheme 2023. Collection method: clinical testing. Allele origin: germline.

St. Jude Molecular Pathology, St. Jude Children's Research Hospital
Classification: Uncertain significance for Acute myeloid leukemia. Last evaluated: 2016-12-22. Review status: criteria provided, single submitter. Criteria: ACMG Guidelines, 2015. Collection method: clinical testing. Allele origin: germline. Affected: yes.

Literature cited by the submitters: PubMed 20923864 (cited by Quest Diagnostics Nichols Institute San Juan Capistrano and Ambry Genetics).

NM_017849.4(TMEM127):c.121A>G (p.Ile41Val)

Genes: TMEM127 (transmembrane protein 127; minus strand), LOC129934333 (ATAC-STARR-seq lymphoblastoid silent region 11759; plus strand). Cytogenetic location: 2q11.2.
Variant type: single nucleotide variant.
Coding change: c.121A>G on transcript NM_017849.4 (MANE Select); coding-DNA position 121, A replaced by G.
Protein change: p.Ile41Val; replaces isoleucine 41 with valine.
Molecular consequence: missense variant.
Genome position (GRCh38, 1-based): chr2:96,265,261, T>C on the plus strand (A>G on the coding strand, the complement: TMEM127 is on the minus strand). VCF-style: chr2-96265261-T-C. GRCh37 (hg19) VCF-style: chr2-96930999-T-C.
Other names: c.121A>G, p.Ile41Val (NM_001193304.3); short protein forms I41V.
Identifiers: ClinVar variation 480774 (VCV000480774.25), dbSNP rs760633411, ClinGen allele CA1777395.